The following is an entry in ClinVar:

ClinVar aggregate classification (germline): Uncertain significance (1 of 4 stars; one submission).

Conditions:
Immunodeficiency 35 (IMD35). Also called: HIES WITH ATYPICAL MYCOBACTERIOSIS, AUTOSOMAL RECESSIVE; HYPER-IgE SYNDROME WITH ATYPICAL MYCOBACTERIOSIS, AUTOSOMAL RECESSIVE; TYK2 DEFICIENCY; Susceptibility to infection due to TYK2 deficiency. Identifiers: Orphanet 331226, MedGen C1969086, MONDO:0012682, OMIM 611521.

Submission:

Labcorp Genetics (formerly Invitae), Labcorp
Classification: Uncertain significance for Immunodeficiency 35. Last evaluated: 2022-02-04. Review status: criteria provided, single submitter. Criteria: Invitae Variant Classification Sherloc (09022015). Collection method: clinical testing. Allele origin: germline.
Comment: This variant has not been reported in the literature in individuals affected with TYK2-related conditions. This variant is not present in population databases (gnomAD no frequency). This sequence change falls in intron 23 of the TYK2 gene. It does not directly change the encoded amino acid sequence of the TYK2 protein. It affects a nucleotide within the consensus splice site. ClinVar contains an entry for this variant (Variation ID: 835520). In summary, the available evidence is currently insufficient to determine the role of this variant in disease. Therefore, it has been classified as a Variant of Uncertain Significance. Variants that disrupt the consensus splice site are a relatively common cause of aberrant splicing (PMID: 17576681, 9536098). Algorithms developed to predict the effect of sequence changes on RNA splicing suggest that this variant is not likely to affect RNA splicing.

Literature cited by the submitters: PubMed 17576681; PubMed 9536098.

NM_003331.5(TYK2):c.3318+6A>T

Gene: TYK2 (tyrosine kinase 2; minus strand). Cytogenetic location: 19p13.2.
Variant type: single nucleotide variant.
Coding change: c.3318+6A>T on transcript NM_003331.5 (MANE Select); 6 bases into the intron after coding-DNA position 3318, A replaced by T.
Molecular consequence: intron variant.
Genome position (GRCh38, 1-based): chr19:10,352,428, T>A on the plus strand (A>T on the coding strand, the complement: TYK2 is on the minus strand). VCF-style: chr19-10352428-T-A. GRCh37 (hg19) VCF-style: chr19-10463104-T-A.
Identifiers: ClinVar variation 835520 (VCV000835520.11), dbSNP rs2040857696, ClinGen allele CA916081218.
Genomic context (GRCh38, chr19:10,352,428, plus strand): 5'-GGCCCAGCCTATGCCTTTCTAATTGCTCTAGCAAACTCCCGGTGGGGCTGCGGGCCTGGC[T>A]CTCACCGTGGGGGGGCTCTGGCTGGAGTCACAGTGCGTCAGCAGCTCATACAGGGTCACC-3'